The following is an entry in ClinVar:

ClinVar aggregate classification (germline): Conflicting classifications of pathogenicity. Review status: criteria provided, conflicting classifications (1 of 4 stars). 4 submissions from 4 submitters: Uncertain significance (2); Likely benign (2). Last evaluated 2025-08-14.

Conditions:
Adams-Oliver syndrome 5 (AOS5). Identifiers: Orphanet 974, MedGen C4014970, MONDO:0014459, OMIM 616028.
Familial thoracic aortic aneurysm and aortic dissection (TAAD). Also called: Thoracic aortic aneurysms and dissections. Identifiers: Orphanet 91387, MedGen C4707243, MONDO:0019625.

Allele frequency attached by ClinVar (database versions not stated): TOPMed 0.00006.
gnomAD v4.1: 122 of 1,594,842 alleles (0.0076%); highest among the groups gnomAD compares: Middle Eastern, 0.034%; no homozygotes.

Submissions (4):

Labcorp Genetics (formerly Invitae), Labcorp
Classification: Likely benign for Adams-Oliver syndrome 5. Last evaluated: 2025-08-14. Review status: criteria provided, single submitter. Criteria: Invitae Variant Classification Sherloc (09022015). Collection method: clinical testing. Allele origin: germline.

Ambry Genetics
Classification: Uncertain significance for Familial thoracic aortic aneurysm and aortic dissection. Last evaluated: 2024-04-09. Review status: criteria provided, single submitter. Criteria: Ambry Variant Classification Scheme 2023. Collection method: clinical testing. Allele origin: germline.
Comment: The p.R1350H variant (also known as c.4049G>A), located in coding exon 25 of the NOTCH1 gene, results from a G to A substitution at nucleotide position 4049. The arginine at codon 1350 is replaced by histidine, an amino acid with highly similar properties. This amino acid position is not well conserved in available vertebrate species. In addition, this alteration is predicted to be tolerated by in silico analysis. Since supporting evidence is limited at this time, the clinical significance of this alteration remains unclear.

Blueprint Genetics
Classification: Likely benign. Last evaluated: 2024-02-07. Review status: criteria provided, single submitter. Criteria: ACMG Guidelines, 2015. Collection method: clinical testing. Allele origin: germline.

GeneDx
Classification: Uncertain significance. Last evaluated: 2022-10-28. Review status: criteria provided, single submitter. Criteria: GeneDx Variant Classification Process June 2021. Collection method: clinical testing. Allele origin: germline. Affected: yes.
Comment: In silico analysis supports that this missense variant does not alter protein structure/function; Has not been previously published as pathogenic or benign to our knowledge

NM_017617.5(NOTCH1):c.4049G>A (p.Arg1350His)

Gene: NOTCH1 (notch receptor 1; minus strand). Cytogenetic location: 9q34.3.
Variant type: single nucleotide variant.
Coding change: c.4049G>A on transcript NM_017617.5 (MANE Select); coding-DNA position 4049, G replaced by A.
Protein change: p.Arg1350His; replaces arginine 1350 with histidine.
Molecular consequence: missense variant.
Genome position (GRCh38, 1-based): chr9:136,505,847, C>T on the plus strand (G>A on the coding strand, the complement: NOTCH1 is on the minus strand). VCF-style: chr9-136505847-C-T. GRCh37 (hg19) VCF-style: chr9-139400299-C-T.
Other names: c.4049G>A, p.Arg1350His (LRG_1122t1); short protein forms R1350H.
Identifiers: ClinVar variation 568918 (VCV000568918.18), dbSNP rs150343794, ClinGen allele CA5340699.